The following is an entry in ClinVar:

ClinVar aggregate classification (germline): Uncertain significance (1 of 4 stars; one submission).

gnomAD v4.1: 3 of 1,613,924 alleles (0.00019%); highest among the groups gnomAD compares: Non-Finnish European, 0.00025%; no homozygotes.

Submission:

GeneDx
Classification: Uncertain significance. Last evaluated: 2023-05-22. Review status: criteria provided, single submitter. Criteria: GeneDx Variant Classification Process June 2021. Collection method: clinical testing. Allele origin: germline. Affected: yes.
Comment: Not observed at significant frequency in large population cohorts (gnomAD); In silico analysis supports that this missense variant does not alter protein structure/function; Has not been previously published as pathogenic or benign to our knowledge

NM_177550.5(SLC13A5):c.116C>T (p.Ala39Val)

Gene: SLC13A5 (solute carrier family 13 member 5; minus strand). Cytogenetic location: 17p13.1.
Variant type: single nucleotide variant.
Coding change: c.116C>T on transcript NM_177550.5 (MANE Select); coding-DNA position 116, C replaced by T.
Protein change: p.Ala39Val; replaces alanine 39 with valine.
Molecular consequence: missense variant. On other transcripts: intron variant (1).
Genome position (GRCh38, 1-based): chr17:6,707,143, G>A on the plus strand (C>T on the coding strand, the complement: SLC13A5 is on the minus strand). VCF-style: chr17-6707143-G-A. GRCh37 (hg19) VCF-style: chr17-6610462-G-A.
Other names: c.116C>T, p.Ala39Val (NM_001143838.3, NM_001284509.2); c.103-365C>T (NM_001284510.2); short protein forms A39V.
Identifiers: ClinVar variation 3343556 (VCV003343556.1).
Genomic context (GRCh38, chr17:6,707,143, plus strand): 5'-GTGACAGCCAGAGGGATGACTTCTGTGCACCAGTAAATGGCCATGAGGATGATGACGTAG[G>A]CACACCTGACAAACTGAAGAGACAGTCCTGAGGCCTCAGCGTGTTGCCGCCTCCCTCTCC-3'
Protein context (NP_808218.1, residues 29-49): ILMPAKFVRC[Ala39Val]YVIILMAIYW